The following is an entry in ClinVar:

NM_000018.4(ACADVL):c.1538C>T (p.Ala513Val)

Gene: ACADVL (acyl-CoA dehydrogenase very long chain; plus strand). Cytogenetic location: 17p13.1.
Variant type: single nucleotide variant.
Coding change: c.1538C>T on transcript NM_000018.4 (MANE Select); coding-DNA position 1538, C replaced by T.
Protein change: p.Ala513Val; replaces alanine 513 with valine.
Molecular consequence: missense variant.
Genome position (GRCh38, 1-based): chr17:7,224,326, C>T. VCF-style: chr17-7224326-C-T. GRCh37 (hg19) VCF-style: chr17-7127645-C-T.
Other names: c.1472C>T, p.Ala491Val (NM_001033859.3); c.1607C>T, p.Ala536Val (NM_001270447.2); c.1310C>T, p.Ala437Val (NM_001270448.2); short protein forms A491V, A513V, A437V, A536V.
Identifiers: ClinVar variation 5029881 (VCV005029881.1).

ClinVar aggregate classification (germline): Uncertain significance (1 of 4 stars; one submission).

Conditions:
Inborn genetic diseases. Identifiers: MedGen C0950123, MeSH D030342.

Submission:

Ambry Genetics
Classification: Uncertain significance for Inborn genetic diseases. Last evaluated: 2026-08-05. Review status: criteria provided, single submitter. Criteria: Ambry Variant Classification Scheme 2023. Collection method: clinical testing. Allele origin: germline.
Comment: The c.1538C>T (p.A513V) alteration is located in exon 16 (coding exon 16) of the ACADVL gene. This alteration results from a C to T substitution at nucleotide position 1538, causing the alanine (A) at amino acid position 513 to be replaced by a valine (V). Based on data from gnomAD, the T allele has an overall frequency of <0.001% (1/250430) total alleles studied. The highest observed frequency was 0.003% (1/30604) of South Asian alleles. Based on insufficient or conflicting evidence, the clinical significance of this alteration remains unclear.